The following is an entry in ClinVar:

ClinVar aggregate classification (germline): Uncertain significance (1 of 4 stars; one submission).

Conditions:
Autosomal dominant nonsyndromic hearing loss 1. Also called: KONIGSMARK SYNDROME; DEAFNESS, AUTOSOMAL DOMINANT 1, WITH OR WITHOUT THROMBOCYTOPENIA. Identifiers: Orphanet 90635, MedGen C1852282, MONDO:0007424, OMIM 124900.
Progressive microcephaly-seizures-cortical blindness-developmental delay syndrome. Also called: Seizures, cortical blindness, and microcephaly syndrome. Identifiers: Orphanet 477814, MedGen C5567650, MONDO:0014714, OMIM 616632.

Allele frequency attached by ClinVar (database versions not stated): gnomAD exomes 0.00001.

Submission:

Labcorp Genetics (formerly Invitae), Labcorp
Classification: Uncertain significance for Progressive microcephaly-seizures-cortical blindness-developmental delay syndrome; Autosomal dominant nonsyndromic hearing loss 1. Last evaluated: 2022-10-25. Review status: criteria provided, single submitter. Criteria: Invitae Variant Classification Sherloc (09022015). Collection method: clinical testing. Allele origin: germline.
Comment: This sequence change replaces leucine, which is neutral and non-polar, with valine, which is neutral and non-polar, at codon 621 of the DIAPH1 protein (p.Leu621Val). The frequency data for this variant in the population databases is considered unreliable, as metrics indicate poor data quality at this position in the gnomAD database. This variant has not been reported in the literature in individuals affected with DIAPH1-related conditions. Algorithms developed to predict the effect of missense changes on protein structure and function are either unavailable or do not agree on the potential impact of this missense change (SIFT: "Deleterious"; PolyPhen-2: "Not Available"; Align-GVGD: "Class C0"). In summary, the available evidence is currently insufficient to determine the role of this variant in disease. Therefore, it has been classified as a Variant of Uncertain Significance.

NM_005219.5(DIAPH1):c.1861T>G (p.Leu621Val)

Gene: DIAPH1 (diaphanous related formin 1; minus strand). Cytogenetic location: 5q31.3.
Variant type: single nucleotide variant.
Coding change: c.1861T>G on transcript NM_005219.5 (MANE Select); coding-DNA position 1861, T replaced by G.
Protein change: p.Leu621Val; replaces leucine 621 with valine.
Molecular consequence: missense variant.
Genome position (GRCh38, 1-based): chr5:141,573,989, A>C on the plus strand (T>G on the coding strand, the complement: DIAPH1 is on the minus strand). VCF-style: chr5-141573989-A-C. GRCh37 (hg19) VCF-style: chr5-140953556-A-C.
Other names: c.1834T>G, p.Leu612Val (NM_001079812.3); c.1861T>G, p.Leu621Val (NM_001314007.2); short protein forms L621V, L612V.
Identifiers: ClinVar variation 2146236 (VCV002146236.4), dbSNP rs1057384432, ClinGen allele CA128437260.
Genomic context (GRCh38, chr5:141,573,989, plus strand): 5'-GAGAGATAGCAGTACCTCCAGGTAAAGAAGGGGGTGAGGAGATGCAAACACCCCCAGGCA[A>C]AGGAGGTGGAGGAGGAGGAGGAGGAGGAGGAGGAGGAGGAGTGGTACTATCCCCAGGAGC-3'
Protein context (NP_005210.3, residues 611-631): PPPPPPPPPP[Leu621Val]PGGVCISSPP